The following is an entry in ClinVar:

NM_001386140.1(MTTP):c.1327G>T (p.Glu443Ter)

Gene: MTTP (microsomal triglyceride transfer protein; plus strand). Cytogenetic location: 4q23.
Variant type: single nucleotide variant.
Coding change: c.1327G>T on transcript NM_001386140.1 (MANE Select); coding-DNA position 1327, G replaced by T.
Protein change: p.Glu443Ter; replaces glutamic acid 443 with a stop codon.
Molecular consequence: nonsense.
Genome position (GRCh38, 1-based): chr4:99,601,697, G>T. VCF-style: chr4-99601697-G-T. GRCh37 (hg19) VCF-style: chr4-100522854-G-T.
Other names: c.1327G>T, p.Glu443Ter (NM_000253.4); c.1078G>T, p.Glu360Ter (NM_001300785.2); short protein forms E360*, E443*.
Identifiers: ClinVar variation 983698 (VCV000983698.3), dbSNP rs1725702758, ClinGen allele CA357509583.

ClinVar aggregate classification (germline): Likely pathogenic (1 of 4 stars; one submission).

Conditions:
Abetalipoproteinaemia (ABL). Also called: Abetalipoproteinemia; Abetalipoproteinemia neuropathy; Apolipoprotein B deficiency; Congenital betalipoprotein deficiency syndrome; MTP DEFICIENCY. Identifiers: Orphanet 14, MedGen C0000744, MONDO:0008692, OMIM 200100, HP:0008181.

Submission:

Myriad Genetics, Inc.
Classification: Likely pathogenic for Abetalipoproteinaemia. Last evaluated: 2019-06-25. Review status: criteria provided, single submitter. Criteria: Myriad Women's Health Autosomal Recessive and X-Linked Classification Criteria (2019). Collection method: clinical testing. Allele origin: unknown.
Comment: NM_000253.2(MTTP):c.1327G>T(E443*) is expected to be pathogenic in the context of abetalipoproteinemia. This variant is predicted to lead to an abnormal or absent protein product due to the creation of a premature termination codon in MTTP, a gene where loss-of-function variants are known to be pathogenic. Please note: this variant was assessed in the context of healthy population screening.